The following is an entry in ClinVar:

NM_024675.4(PALB2):c.1704_1707del (p.Lys569fs)

Gene: PALB2 (partner and localizer of BRCA2; minus strand). Cytogenetic location: 16p12.2.
Variant type: Deletion.
Coding change: c.1704_1707del on transcript NM_024675.4 (MANE Select); coding-DNA positions 1704 to 1707, 4 bases deleted (AAAA; older notation c.1704_1707delAAAA).
Protein change: p.Lys569fs; shifts the reading frame from lysine 569.
Molecular consequence: frameshift variant.
Genome position (GRCh38, 1-based): chr16:23,630,447-23,630,450, TTTT deleted on the plus strand (AAAA on the coding strand, the reverse complement: PALB2 is on the minus strand); deleting any 4 consecutive bases within chr16:23,630,447-23,630,451 gives the same sequence; the c. name uses the placement nearest the transcript's 3' end. VCF-style (leftmost placement, unchanged base first): chr16-23630446-CTTTT-C. GRCh37 (hg19) VCF-style: chr16-23641767-CTTTT-C.
Other names: c.1704_1707delAAAA (NM_024675.3); short protein forms K569fs.
Identifiers: ClinVar variation 460908 (VCV000460908.12), dbSNP rs1060502759, ClinGen allele CA658658418.
Genomic context (GRCh38, chr16:23,630,446, plus strand): 5'-CCGTGAAAGCATCATCATCCAAGGATAAATAAGCACTATTACTCCAAGAAAGGGAATCCT[CTTTT>C]TGATGACGACTTTTCTTCCCTAAAGAAGAAAAATAAGTCACAAAATAGTAACAAAACCCA-3'

ClinVar aggregate classification (germline): Pathogenic. Review status: criteria provided, multiple submitters, no conflicts (2 of 4 stars). 4 submissions from 4 submitters: Pathogenic (3). 1 of the submissions does not count toward it. Last evaluated 2023-09-11.

Conditions:
Hereditary cancer-predisposing syndrome. Also called: Hereditary neoplastic syndrome; Neoplastic Syndromes, Hereditary; Tumor predisposition; Hereditary Cancer Syndrome. Identifiers: Orphanet 140162, MedGen C0027672, MeSH D009386, MONDO:0015356.
Familial cancer of breast. Also called: BREAST CANCER, FAMILIAL; hereditary breast carcinoma; Hereditary breast cancer. Identifiers: Orphanet 227535, MedGen C0346153, MONDO:0016419, OMIM 114480. Disease mechanism: loss of function.
Breast carcinoma. Also called: Carcinoma of breast. Identifiers: MedGen C0678222, MONDO:0004989, HP:0003002.

Submissions (4):

Myriad Genetics, Inc.
Classification: Pathogenic for Familial cancer of breast. Last evaluated: 2023-09-11. Review status: criteria provided, single submitter. Criteria: Myriad Autosomal Dominant, Autosomal Recessive and X-Linked Classification Criteria (2023). Collection method: clinical testing. Allele origin: unknown.
Comment: This variant is considered pathogenic. This variant creates a frameshift predicted to result in premature protein truncation.

Labcorp Genetics (formerly Invitae), Labcorp
Classification: Pathogenic for Familial cancer of breast. Last evaluated: 2022-06-13. Review status: criteria provided, single submitter. Criteria: Invitae Variant Classification Sherloc (09022015). Collection method: clinical testing. Allele origin: germline.
Comment: This variant is not present in population databases (gnomAD no frequency). This sequence change creates a premature translational stop signal (p.Lys569Argfs*29) in the PALB2 gene. It is expected to result in an absent or disrupted protein product. Loss-of-function variants in PALB2 are known to be pathogenic (PMID: 17200668, 17200671, 17200672, 24136930, 25099575). This premature translational stop signal has been observed in individual(s) with breast cancer (PMID: 32658311). ClinVar contains an entry for this variant (Variation ID: 460908). For these reasons, this variant has been classified as Pathogenic.

Ambry Genetics
Classification: Pathogenic for Hereditary cancer-predisposing syndrome. Last evaluated: 2022-05-04. Review status: criteria provided, single submitter. Criteria: Ambry Variant Classification Scheme 2023. Collection method: clinical testing. Allele origin: germline.
Comment: The c.1704_1707delAAAA pathogenic mutation, located in coding exon 5 of the PALB2 gene, results from a deletion of 4 nucleotides at nucleotide positions 1704 to 1707, causing a translational frameshift with a predicted alternate stop codon (p.K569Rfs*29). This alteration was seen in 2/732 breast cancer patients, 0/189 colorectal cancer patients and 0/490 cancer-free elderly controls in a Turkish population (Akcay IM et al. Int J Cancer, 2021 01;148:285-295). In addition to the clinical data presented in the literature, this alteration is expected to result in loss of function by premature protein truncation or nonsense-mediated mRNA decay. As such, this alteration is interpreted as a disease-causing mutation.

Medical Genetics Laboratory, Umraniye Training and Research Hospital, University of Health Sciences
Classification: Likely pathogenic for Breast carcinoma. Review status: no assertion criteria provided. Collection method: clinical testing. Allele origin: germline. Inheritance: Autosomal dominant inheritance. Affected: yes. Not counted in ClinVar's aggregate classification.
Comment: Invasive breast carcinoma, Estrogen receptor:+ Progesterone receptor:+ Her2:-

Literature cited by the submitters: PubMed 17200668 (cited by Labcorp Genetics (formerly Invitae), Labcorp); PubMed 17200671 (cited by Labcorp Genetics (formerly Invitae), Labcorp); PubMed 17200672 (cited by Labcorp Genetics (formerly Invitae), Labcorp); PubMed 24136930 (cited by Labcorp Genetics (formerly Invitae), Labcorp); PubMed 25099575 (cited by Labcorp Genetics (formerly Invitae), Labcorp); PubMed 32658311 (cited by Labcorp Genetics (formerly Invitae), Labcorp and Ambry Genetics).